The following is an entry in ClinVar:

NM_017763.6(RNF43):c.6T>C (p.Ser2=)

Gene: RNF43 (ring finger protein 43; minus strand). Cytogenetic location: 17q22.
Variant type: single nucleotide variant.
Coding change: c.6T>C on transcript NM_017763.6 (MANE Select); coding-DNA position 6, T replaced by C.
Protein change: p.Ser2=; no amino-acid change (serine 2 retained).
Molecular consequence: synonymous variant.
Genome position (GRCh38, 1-based): chr17:58,415,572, A>G on the plus strand (T>C on the coding strand, the complement: RNF43 is on the minus strand). VCF-style: chr17-58415572-A-G. GRCh37 (hg19) VCF-style: chr17-56492933-A-G.
Other names: c.6T>C, p.Ser2= (NM_001305544.3).
Identifiers: ClinVar variation 2848281 (VCV002848281.23), dbSNP rs757535716, ClinGen allele CA8673526.

ClinVar aggregate classification (germline): Benign/Likely benign. Review status: criteria provided, multiple submitters, no conflicts (2 of 4 stars). 5 submissions from 5 submitters: Benign (1); Likely benign (4). Last evaluated 2026-06-29.

Conditions:
Sessile serrated polyposis cancer syndrome (SSPCS). Identifiers: Orphanet 157798, MedGen C4310714, MONDO:0014919, OMIM 617108.

Allele frequency attached by ClinVar (database versions not stated): gnomAD 0.00001; gnomAD exomes 0.00001; ExAC 0.00003.
gnomAD v4.1: 11 of 1,606,762 alleles (0.00068%); highest among the groups gnomAD compares: South Asian, 0.0099%; no homozygotes.

Submissions (5):

Myriad Genetics, Inc.
Classification: Benign for Sessile serrated polyposis cancer syndrome. Last evaluated: 2026-06-29. Review status: criteria provided, single submitter. Criteria: Myriad Autosomal Dominant, Autosomal Recessive and X-Linked Classification Criteria (2023). Collection method: clinical testing. Allele origin: unknown.
Comment: This variant is considered benign. This variant is a silent/synonymous amino acid change and it is not expected to impact splicing.

Center for Genomic Medicine, Rigshospitalet, Copenhagen University Hospital
Classification: Likely benign. Last evaluated: 2025-12-29. Review status: criteria provided, single submitter. Criteria: ACMG Guidelines, 2015. Collection method: clinical testing. Allele origin: germline.

Ambry Genetics
Classification: Likely benign. Last evaluated: 2024-12-12. Review status: criteria provided, single submitter. Criteria: Ambry Variant Classification Scheme 2023. Collection method: clinical testing. Allele origin: germline.

CeGaT Center for Human Genetics Tuebingen
Classification: Likely benign. Last evaluated: 2024-06-01. Review status: criteria provided, single submitter. Criteria: CeGaT Center For Human Genetics Tuebingen Variant Classification Criteria Version 2. Collection method: clinical testing. Allele origin: germline. Affected: yes. Observed: 1 variant allele.
Comment: RNF43: BP7

Labcorp Genetics (formerly Invitae), Labcorp
Classification: Likely benign. Last evaluated: 2024-01-13. Review status: criteria provided, single submitter. Criteria: Invitae Variant Classification Sherloc (09022015). Collection method: clinical testing. Allele origin: germline.